The following is an entry in ClinVar:

NM_000702.4(ATP1A2):c.1216+12C>T

Gene: ATP1A2 (ATPase Na+/K+ transporting subunit alpha 2; plus strand). Cytogenetic location: 1q23.2.
Variant type: single nucleotide variant.
Coding change: c.1216+12C>T on transcript NM_000702.4 (MANE Select); 12 bases into the intron after coding-DNA position 1216, C replaced by T.
Molecular consequence: intron variant.
Genome position (GRCh38, 1-based): chr1:160,128,862, C>T. VCF-style: chr1-160128862-C-T. GRCh37 (hg19) VCF-style: chr1-160098652-C-T.
Identifiers: ClinVar variation 512524 (VCV000512524.8), dbSNP rs748392461, ClinGen allele CA1194388.

ClinVar aggregate classification (germline): Likely benign. Review status: criteria provided, multiple submitters, no conflicts (2 of 4 stars). 2 submissions from 2 submitters: Likely benign (2). Last evaluated 2023-11-21.

Conditions:
Familial hemiplegic migraine. Identifiers: MedGen C0338484, MONDO:0000700.

Allele frequency attached by ClinVar (database versions not stated): ExAC 0.00001; gnomAD exomes 0.00001.
gnomAD v4.1: 8 of 1,614,048 alleles (0.0005%); highest among the groups gnomAD compares: Non-Finnish European, 0.00068%; no homozygotes.

Submissions (2):

Labcorp Genetics (formerly Invitae), Labcorp
Classification: Likely benign for Familial hemiplegic migraine. Last evaluated: 2023-11-21. Review status: criteria provided, single submitter. Criteria: Invitae Variant Classification Sherloc (09022015). Collection method: clinical testing. Allele origin: germline.

GeneDx
Classification: Likely benign. Last evaluated: 2017-10-10. Review status: criteria provided, single submitter. Criteria: GeneDx Variant Classification (06012015). Collection method: clinical testing. Allele origin: germline. Affected: yes.
Comment: This variant is considered likely benign or benign based on one or more of the following criteria: it is a conservative change, it occurs at a poorly conserved position in the protein, it is predicted to be benign by multiple in silico algorithms, and/or has population frequency not consistent with disease.